The following is an entry in ClinVar:

ClinVar aggregate classification (germline): Likely benign. Review status: criteria provided, multiple submitters, no conflicts (2 of 4 stars). 4 submissions from 4 submitters: Likely benign (4). Last evaluated 2025-09-22.

Conditions:
Marfan syndrome (MFS). Also called: Marfan syndrome, classic; Marfan syndrome type 1; Marfan's syndrome; FBN1-Related Marfan Syndrome; MARFAN SYNDROME, TYPE I. Identifiers: Orphanet 284963, Orphanet 558, MedGen C0024796, MONDO:0007947, OMIM 154700.
Familial thoracic aortic aneurysm and aortic dissection (TAAD). Also called: Thoracic aortic aneurysms and dissections. Identifiers: Orphanet 91387, MedGen C4707243, MONDO:0019625.

Allele frequency attached by ClinVar (database versions not stated): TOPMed 0.00002; gnomAD 0.00001.
gnomAD v4.1: 13 of 1,613,600 alleles (0.00081%); highest among the groups gnomAD compares: East Asian, 0.025%; no homozygotes.

Submissions (4):

Labcorp Genetics (formerly Invitae), Labcorp
Classification: Likely benign for Marfan syndrome; Familial thoracic aortic aneurysm and aortic dissection. Last evaluated: 2025-09-22. Review status: criteria provided, single submitter. Criteria: Invitae Variant Classification Sherloc (09022015). Collection method: clinical testing. Allele origin: germline.

All of Us Research Program, National Institutes of Health
Classification: Likely benign for Marfan syndrome. Last evaluated: 2024-08-06. Review status: criteria provided, single submitter. Criteria: ACMG Guidelines, 2015. Collection method: clinical testing. Allele origin: germline. Inheritance: Autosomal dominant inheritance. Observed: 1 variant allele, 1 heterozygote.
Comment: This study involves interpretation of variants in research participants for the purpose of population health screening. Participant phenotype was not available at the time of variant classification. Additional details can be found in publication PMID: 35346344, PMCID: PMC8962531

Blueprint Genetics
Classification: Likely benign. Last evaluated: 2020-10-26. Review status: criteria provided, single submitter. Criteria: ACMG Guidelines, 2015. Collection method: clinical testing. Allele origin: germline.

Color Diagnostics, LLC DBA Color Health
Classification: Likely benign for Familial thoracic aortic aneurysm and aortic dissection. Last evaluated: 2019-02-08. Review status: criteria provided, single submitter. Criteria: ACMG Guidelines, 2015. Collection method: clinical testing. Allele origin: germline.

NM_000138.5(FBN1):c.6609A>G (p.Thr2203=)

Gene: FBN1 (fibrillin 1; minus strand). Cytogenetic location: 15q21.1.
Variant type: single nucleotide variant.
Coding change: c.6609A>G on transcript NM_000138.5 (MANE Select); coding-DNA position 6609, A replaced by G.
Protein change: p.Thr2203=; no amino-acid change (threonine 2203 retained).
Molecular consequence: synonymous variant.
Genome position (GRCh38, 1-based): chr15:48,434,601, T>C on the plus strand (A>G on the coding strand, the complement: FBN1 is on the minus strand). VCF-style: chr15-48434601-T-C. GRCh37 (hg19) VCF-style: chr15-48726798-T-C.
Identifiers: ClinVar variation 928316 (VCV000928316.11), dbSNP rs547573220, ClinGen allele CA057060.
Genomic context (GRCh38, chr15:48,434,601, plus strand): 5'-TTGTTCCCAGGATCAGTACACGTAATCAACTGTTCTCTGTTTAAGAGATGTACCTTCACA[T>C]GTCATCATTGGACCGGGCTCAAATCCCTCCTCGCAGGTGCATTCAAAACCTCCAATCACA-3'
Protein context (NP_000129.3, residues 2193-2213): EEGFEPGPMM[Thr2203=]CEDINECAQN